The following is an entry in ClinVar:

ClinVar aggregate classification (germline): Benign/Likely benign. Review status: criteria provided, multiple submitters, no conflicts (2 of 4 stars). 4 submissions from 4 submitters: Benign (1); Likely benign (3). Last evaluated 2025-02-27.

Conditions:
Hereditary cancer-predisposing syndrome. Also called: Tumor predisposition; Hereditary Cancer Syndrome; Neoplastic Syndromes, Hereditary; Hereditary neoplastic syndrome. Identifiers: Orphanet 140162, MedGen C0027672, MeSH D009386, MONDO:0015356.
Multiple endocrine neoplasia, type 2 (MEN2). Identifiers: Orphanet 653, MedGen C4048306, MONDO:0019003. Disease mechanism: gain of function.
Multiple endocrine neoplasia type 2A. Also called: Multiple Endocrine Neoplasia Type 2A (MEN2A); MULTIPLE ENDOCRINE NEOPLASIA, TYPE IIA; PTC SYNDROME; SIPPLE SYNDROME; MEN 2A; MEN-2A syndrome. Identifiers: Orphanet 247698, Orphanet 653, MedGen C0025268, MeSH D018813, MONDO:0008234, OMIM 171400.

Allele frequency attached by ClinVar (database versions not stated): gnomAD exomes below 0.00001; TOPMed 0.00001.
gnomAD v4.1: 3 of 1,614,028 alleles (0.00019%); highest among the groups gnomAD compares: Admixed American, 0.0017%; no homozygotes.

Submissions (4):

Myriad Genetics, Inc.
Classification: Benign for Multiple endocrine neoplasia type 2A. Last evaluated: 2025-02-27. Review status: criteria provided, single submitter. Criteria: Myriad Autosomal Dominant, Autosomal Recessive and X-Linked Classification Criteria (2023). Collection method: clinical testing. Allele origin: unknown.
Comment: This variant is considered benign. This variant is a silent/synonymous amino acid change and it is not expected to impact splicing.

Labcorp Genetics (formerly Invitae), Labcorp
Classification: Likely benign for Multiple endocrine neoplasia, type 2. Last evaluated: 2024-06-28. Review status: criteria provided, single submitter. Criteria: Invitae Variant Classification Sherloc (09022015). Collection method: clinical testing. Allele origin: germline.

All of Us Research Program, National Institutes of Health
Classification: Likely benign for Multiple endocrine neoplasia, type 2. Last evaluated: 2024-06-09. Review status: criteria provided, single submitter. Criteria: ACMG Guidelines, 2015. Collection method: clinical testing. Allele origin: germline. Inheritance: Autosomal dominant inheritance. Observed: 1 variant allele, 1 heterozygote.
Comment: This study involves interpretation of variants in research participants for the purpose of population health screening. Participant phenotype was not available at the time of variant classification. Additional details can be found in publication PMID: 35346344, PMCID: PMC8962531

Ambry Genetics
Classification: Likely benign for Hereditary cancer-predisposing syndrome. Last evaluated: 2020-06-24. Review status: criteria provided, single submitter. Criteria: Ambry Variant Classification Scheme 2023. Collection method: clinical testing. Allele origin: germline.

NM_020975.6(RET):c.2628A>G (p.Ala876=)

Gene: RET (ret proto-oncogene; plus strand). Cytogenetic location: 10q11.21.
Variant type: single nucleotide variant.
Coding change: c.2628A>G on transcript NM_020975.6 (MANE Select); coding-DNA position 2628, A replaced by G.
Protein change: p.Ala876=; no amino-acid change (alanine 876 retained).
Molecular consequence: synonymous variant.
Genome position (GRCh38, 1-based): chr10:43,120,101, A>G. VCF-style: chr10-43120101-A-G. GRCh37 (hg19) VCF-style: chr10-43615549-A-G.
Other names: c.2628A>G, p.Ala876= (NM_000323.2, NM_001406743.1, NM_001406744.1 and 4 more transcripts); c.1866A>G, p.Ala622= (NM_001355216.2); c.2499A>G, p.Ala833= (NM_001406761.1, NM_001406762.1, NM_001406764.1); c.2493A>G, p.Ala831= (NM_001406763.1, NM_001406765.1); c.2340A>G, p.Ala780= (NM_001406766.1, NM_001406767.1, NM_001406770.1); c.2364A>G, p.Ala788= (NM_001406768.1); c.2232A>G, p.Ala744= (NM_001406769.1, NM_001406772.1); c.2190A>G, p.Ala730= (NM_001406771.1, NM_001406773.1); and 10 more.
Identifiers: ClinVar variation 1794014 (VCV001794014.7), dbSNP rs1322978575, ClinGen allele CA376557053.
Genomic context (GRCh38, chr10:43,120,101, plus strand): 5'-CTGGCCATGGCCTGACGACTCGTGCTATTTTTCCTCACAGCTCGTTCATCGGGACTTGGC[A>G]GCCAGAAACATCCTGGTAGCTGAGGGGCGGAAGATGAAGATTTCGGATTTCGGCTTGTCC-3'
Protein context (NP_066124.1, residues 866-886): AEMKLVHRDL[Ala876=]ARNILVAEGR